The following is an entry in ClinVar:

ClinVar aggregate classification (germline): Uncertain significance (1 of 4 stars; one submission).

Conditions:
Treacher Collins syndrome 1 (TCS1). Also called: TCOF1-Related Treacher Collins Syndrome. Identifiers: Orphanet 861, MedGen CN315775, MONDO:0007944, OMIM 154500.

gnomAD v4.1: 1 of 1,614,068 alleles (0.000062%); highest among the groups gnomAD compares: East Asian, 0.0022%; no homozygotes.

Submission:

Labcorp Genetics (formerly Invitae), Labcorp
Classification: Uncertain significance for Treacher Collins syndrome 1. Last evaluated: 2023-02-01. Review status: criteria provided, single submitter. Criteria: Invitae Variant Classification Sherloc (09022015). Collection method: clinical testing. Allele origin: germline.
Comment: This variant is not present in population databases (gnomAD no frequency). This variant has not been reported in the literature in individuals affected with TCOF1-related conditions. Advanced modeling of protein sequence and biophysical properties (such as structural, functional, and spatial information, amino acid conservation, physicochemical variation, residue mobility, and thermodynamic stability) performed at Invitae indicates that this missense variant is not expected to disrupt TCOF1 protein function. In summary, the available evidence is currently insufficient to determine the role of this variant in disease. Therefore, it has been classified as a Variant of Uncertain Significance. This sequence change replaces glutamic acid, which is acidic and polar, with lysine, which is basic and polar, at codon 546 of the TCOF1 protein (p.Glu546Lys).

NM_001371623.1(TCOF1):c.1636G>A (p.Glu546Lys)

Gene: TCOF1 (treacle ribosome biogenesis factor 1; plus strand). Cytogenetic location: 5q32.
Variant type: single nucleotide variant.
Coding change: c.1636G>A on transcript NM_001371623.1 (MANE Select); coding-DNA position 1636, G replaced by A.
Protein change: p.Glu546Lys; replaces glutamic acid 546 with lysine.
Molecular consequence: missense variant.
Genome position (GRCh38, 1-based): chr5:150,375,486, G>A. VCF-style: chr5-150375486-G-A. GRCh37 (hg19) VCF-style: chr5-149755049-G-A.
Other names: c.1405G>A, p.Glu469Lys (NM_000356.4, NM_001135245.2); c.1636G>A, p.Glu546Lys (NM_001008657.3, NM_001135243.2, NM_001135244.2 and 1 more transcripts); short protein forms E469K, E546K.
Identifiers: ClinVar variation 2873884 (VCV002873884.3), dbSNP rs375311798, ClinGen allele CA361747732.